The following is an entry in ClinVar:

ClinVar aggregate classification (germline): Uncertain significance (1 of 4 stars; one submission).

Conditions:
Inborn genetic diseases. Identifiers: MedGen C0950123, MeSH D030342.

Submission:

Ambry Genetics
Classification: Uncertain significance for Inborn genetic diseases. Last evaluated: 2022-10-30. Review status: criteria provided, single submitter. Criteria: Ambry Variant Classification Scheme 2023. Collection method: clinical testing. Allele origin: germline.
Comment: The p.P63T variant (also known as c.187C>A), located in coding exon 3 of the ATR gene, results from a C to A substitution at nucleotide position 187. The proline at codon 63 is replaced by threonine, an amino acid with highly similar properties. This amino acid position is conserved. In addition, the in silico prediction for this alteration is inconclusive. Since supporting evidence is limited at this time, the clinical significance of this alteration remains unclear.

NM_001184.4(ATR):c.187C>A (p.Pro63Thr)

Gene: ATR (ATR checkpoint kinase; minus strand). Cytogenetic location: 3q23.
Variant type: single nucleotide variant.
Coding change: c.187C>A on transcript NM_001184.4 (MANE Select); coding-DNA position 187, C replaced by A.
Protein change: p.Pro63Thr; replaces proline 63 with threonine.
Molecular consequence: missense variant.
Genome position (GRCh38, 1-based): chr3:142,566,226, G>T on the plus strand (C>A on the coding strand, the complement: ATR is on the minus strand). VCF-style: chr3-142566226-G-T. GRCh37 (hg19) VCF-style: chr3-142285068-G-T.
Other names: c.187C>A, p.Pro63Thr (NM_001354579.2); short protein forms P63T.
Identifiers: ClinVar variation 1781856 (VCV001781856.2), dbSNP rs2108494443, ClinGen allele CA354828656.